The following is an entry in ClinVar:

NM_000360.4(TH):c.713C>T (p.Thr238Met)

Gene: TH (tyrosine hydroxylase; minus strand). Cytogenetic location: 11p15.5.
Variant type: single nucleotide variant.
Coding change: c.713C>T on transcript NM_000360.4 (MANE Select); coding-DNA position 713, C replaced by T.
Protein change: p.Thr238Met; replaces threonine 238 with methionine.
Molecular consequence: missense variant.
Genome position (GRCh38, 1-based): chr11:2,167,015, G>A on the plus strand (C>T on the coding strand, the complement: TH is on the minus strand). VCF-style: chr11-2167015-G-A. GRCh37 (hg19) VCF-style: chr11-2188245-G-A.
Other names: c.806C>T, p.Thr269Met (NM_199292.3); c.794C>T, p.Thr265Met (NM_199293.3); short protein forms T265M, T269M, T238M.
Identifiers: ClinVar variation 1440375 (VCV001440375.5), dbSNP rs757607038, ClinGen allele CA5818512.

ClinVar aggregate classification (germline): Uncertain significance (1 of 4 stars; one submission).

Conditions:
TH-deficient dopa-responsive dystonia. Also called: Tyrosine Hydroxylase-Deficient Dopa-Responsive Dystonia; Segawa syndrome, autosomal recessive; DYT-TH. Identifiers: Orphanet 101150, MedGen C2673535, MONDO:0011551, OMIM 605407.

Submission:

Labcorp Genetics (formerly Invitae), Labcorp
Classification: Uncertain significance for TH-deficient dopa-responsive dystonia. Last evaluated: 2021-08-30. Review status: criteria provided, single submitter. Criteria: Invitae Variant Classification Sherloc (09022015). Collection method: clinical testing. Allele origin: germline.
Comment: This sequence change replaces threonine with methionine at codon 269 of the TH protein (p.Thr269Met). The threonine residue is highly conserved and there is a moderate physicochemical difference between threonine and methionine. This variant is present in population databases (rs757607038, ExAC 0.005%). This variant has not been reported in the literature in individuals affected with TH-related conditions. Algorithms developed to predict the effect of missense changes on protein structure and function (SIFT, PolyPhen-2, Align-GVGD) all suggest that this variant is likely to be disruptive. In summary, the available evidence is currently insufficient to determine the role of this variant in disease. Therefore, it has been classified as a Variant of Uncertain Significance.